The following is an entry in ClinVar:

NM_019055.6(ROBO4):c.870G>A (p.Pro290=)

Gene: ROBO4 (roundabout guidance receptor 4; minus strand). Cytogenetic location: 11q24.2.
Variant type: single nucleotide variant.
Coding change: c.870G>A on transcript NM_019055.6 (MANE Select); coding-DNA position 870, G replaced by A.
Protein change: p.Pro290=; no amino-acid change (proline 290 retained).
Molecular consequence: synonymous variant.
Genome position (GRCh38, 1-based): chr11:124,895,623, C>T on the plus strand (G>A on the coding strand, the complement: ROBO4 is on the minus strand). VCF-style: chr11-124895623-C-T. GRCh37 (hg19) VCF-style: chr11-124765519-C-T.
Other names: c.435G>A, p.Pro145= (NM_001301088.2); c.870G>A, p.Pro290= (NM_001441183.1).
Identifiers: ClinVar variation 4914713 (VCV004914713.2).
Genomic context (GRCh38, chr11:124,895,623, plus strand): 5'-AAGCTCTGCGCTCTGCCAGCCGGCCAGCAGCTCCTCTGCCCACGGAGCTCCCTGGCCTCC[C>T]GGGGCAGTCTGGGTCCTGAACAAGGCCGTGTAAGATTGGGCAGGCGCAGCAGGGCCACTG-3'
Protein context (NP_061928.4, residues 280-300): YTALFRTQTA[Pro290=]GGQGAPWAEE

ClinVar aggregate classification (germline): Likely benign. Review status: criteria provided, multiple submitters, no conflicts (2 of 4 stars). 2 submissions from 2 submitters: Likely benign (2). Last evaluated 2026-07-01.

gnomAD v4.1: 583 of 1,613,792 alleles (0.036%); highest among the groups gnomAD compares: South Asian, 0.5%; 6 homozygotes.

Submissions (2):

CeGaT Center for Human Genetics Tuebingen
Classification: Likely benign. Last evaluated: 2026-07-01. Review status: criteria provided, single submitter. Criteria: CeGaT Center For Human Genetics Tuebingen Variant Classification Criteria Version 2. Collection method: clinical testing. Allele origin: germline. Affected: yes. Observed: 1 variant allele.
Comment: ROBO4: BP4, BP7

Blueprint Genetics
Classification: Likely benign. Last evaluated: 2024-11-19. Review status: criteria provided, single submitter. Criteria: ACMG Guidelines, 2015. Collection method: clinical testing. Allele origin: germline.